The following is an entry in ClinVar:

NM_031924.8(RSPH3):c.164T>G (p.Val55Gly)

Gene: RSPH3 (radial spoke head 3; minus strand). Cytogenetic location: 6q25.3.
Variant type: single nucleotide variant.
Coding change: c.164T>G on transcript NM_031924.8 (MANE Select); coding-DNA position 164, T replaced by G.
Protein change: p.Val55Gly; replaces valine 55 with glycine.
Molecular consequence: missense variant. On other transcripts: non-coding transcript variant (1).
Genome position (GRCh38, 1-based): chr6:158,993,879, A>C on the plus strand (T>G on the coding strand, the complement: RSPH3 is on the minus strand). VCF-style: chr6-158993879-A-C. GRCh37 (hg19) VCF-style: chr6-159414911-A-C.
Other names: c.590T>G, p.Val197Gly (NM_001346418.1); short protein forms V55G, V197G.
Identifiers: ClinVar variation 3649177 (VCV003649177.2).

ClinVar aggregate classification (germline): Uncertain significance (1 of 4 stars; one submission).

Conditions:
Primary ciliary dyskinesia 32. Also called: CILIARY DYSKINESIA, PRIMARY, 32, WITHOUT SITUS INVERSUS. Identifiers: Orphanet 244, MedGen C4225311, MONDO:0014657, OMIM 616481.

Submission:

Labcorp Genetics (formerly Invitae), Labcorp
Classification: Uncertain significance for Primary ciliary dyskinesia 32. Last evaluated: 2024-04-20. Review status: criteria provided, single submitter. Criteria: Invitae Variant Classification Sherloc (09022015). Collection method: clinical testing. Allele origin: germline.
Comment: This sequence change replaces valine, which is neutral and non-polar, with glycine, which is neutral and non-polar, at codon 197 of the RSPH3 protein (p.Val197Gly). This variant is not present in population databases (gnomAD no frequency). This variant has not been reported in the literature in individuals affected with RSPH3-related conditions. An algorithm developed to predict the effect of missense changes on protein structure and function (PolyPhen-2) suggests that this variant is likely to be disruptive. In summary, the available evidence is currently insufficient to determine the role of this variant in disease. Therefore, it has been classified as a Variant of Uncertain Significance.